The following is an entry in ClinVar:

NM_001388492.1(HTT):c.1895A>G (p.Asn632Ser)

Gene: HTT (huntingtin; plus strand). Cytogenetic location: 4p16.3.
Variant type: single nucleotide variant.
Coding change: c.1895A>G on transcript NM_001388492.1 (MANE Select); coding-DNA position 1895, A replaced by G.
Protein change: p.Asn632Ser; replaces asparagine 632 with serine.
Molecular consequence: missense variant.
Genome position (GRCh38, 1-based): chr4:3,130,332, A>G. VCF-style: chr4-3130332-A-G. GRCh37 (hg19) VCF-style: chr4-3132059-A-G.
Other names: c.1901A>G, p.Asn634Ser (NM_002111.8); short protein forms N632S, N634S.
Identifiers: ClinVar variation 1400204 (VCV001400204.6), dbSNP rs532096335, ClinGen allele CA2823676.

ClinVar aggregate classification (germline): Uncertain significance (1 of 4 stars; one submission).

Allele frequency attached by ClinVar (database versions not stated): gnomAD exomes 0.00001 and 0.00002; gnomAD 0.00002 and 0.00004; ExAC 0.00003; TOPMed 0.00003; 1000 Genomes Project 30x 0.00047; 1000 Genomes Project 0.00060.
gnomAD v4.1: 26 of 1,598,176 alleles (0.0016%); highest among the groups gnomAD compares: Admixed American, 0.043%; no homozygotes.

Submission:

Labcorp Genetics (formerly Invitae), Labcorp
Classification: Uncertain significance. Last evaluated: 2022-06-13. Review status: criteria provided, single submitter. Criteria: Invitae Variant Classification Sherloc (09022015). Collection method: clinical testing. Allele origin: germline.
Comment: This sequence change replaces asparagine, which is neutral and polar, with serine, which is neutral and polar, at codon 634 of the HTT protein (p.Asn634Ser). This variant is present in population databases (rs532096335, gnomAD 0.02%). This variant has not been reported in the literature in individuals affected with HTT-related conditions. Experimental studies and prediction algorithms are not available or were not evaluated, and the functional significance of this variant is currently unknown. In summary, the available evidence is currently insufficient to determine the role of this variant in disease. Therefore, it has been classified as a Variant of Uncertain Significance.